The following is an entry in ClinVar:

NM_015662.3(IFT172):c.245C>T (p.Ala82Val)

Gene: IFT172 (intraflagellar transport 172; minus strand). Cytogenetic location: 2p23.3.
Variant type: single nucleotide variant.
Coding change: c.245C>T on transcript NM_015662.3 (MANE Select); coding-DNA position 245, C replaced by T.
Protein change: p.Ala82Val; replaces alanine 82 with valine.
Molecular consequence: missense variant.
Genome position (GRCh38, 1-based): chr2:27,485,069, G>A on the plus strand (C>T on the coding strand, the complement: IFT172 is on the minus strand). VCF-style: chr2-27485069-G-A. GRCh37 (hg19) VCF-style: chr2-27707936-G-A.
Other names: c.245C>T, p.Ala82Val (NM_001410739.1); short protein forms A82V.
Identifiers: ClinVar variation 4984005 (VCV004984005.1).

ClinVar aggregate classification (germline): Uncertain significance (1 of 4 stars; one submission).

Conditions:
IFT172-related disorder. Also called: IFT172-related disorders; IFT172-related condition.

gnomAD v4.1: 1 of 1,610,380 alleles (0.000062%); highest among the groups gnomAD compares: African/African-American, 0.0013%; no homozygotes.

Submission:

PreventionGenetics, part of Exact Sciences
Classification: Uncertain significance for IFT172-related condition. Last evaluated: 2026-02-16. Review status: criteria provided, single submitter. Criteria: ACMG Guidelines, 2015. Collection method: clinical testing. Allele origin: germline.
Comment: The IFT172 c.245C>T variant is predicted to result in the amino acid substitution p.Ala82Val. To our knowledge, this variant has not been reported in the literature or in a large population database (gnomAD), indicating this variant is rare. At this time, the clinical significance of this variant is uncertain due to the absence of conclusive functional and genetic evidence.